The following is an entry in ClinVar:

ClinVar aggregate classification (germline): Uncertain significance. Review status: criteria provided, multiple submitters, no conflicts (2 of 4 stars). 2 submissions from 2 submitters: Uncertain significance (2). Last evaluated 2025-05-30.

Conditions:
Ataxia-telangiectasia syndrome (AT). Also called: Ataxia-telangiectasia; Ataxia-telangiectasia, complementation group D; AT, COMPLEMENTATION GROUP C; Ataxia-telangiectasia, complementation group E; LOUIS-BAR SYNDROME; Cerebello-oculocutaneous telangiectasia. Identifiers: Orphanet 100, MedGen C0004135, MONDO:0008840, OMIM 208900.
Hereditary cancer-predisposing syndrome. Also called: Neoplastic Syndromes, Hereditary; Tumor predisposition; Hereditary Cancer Syndrome; Hereditary neoplastic syndrome. Identifiers: Orphanet 140162, MedGen C0027672, MeSH D009386, MONDO:0015356.

Submissions (2):

Labcorp Genetics (formerly Invitae), Labcorp
Classification: Uncertain significance for Ataxia-telangiectasia syndrome. Last evaluated: 2025-05-30. Review status: criteria provided, single submitter. Criteria: Invitae Variant Classification Sherloc (09022015). Collection method: clinical testing. Allele origin: germline.
Comment: This sequence change replaces glutamic acid, which is acidic and polar, with alanine, which is neutral and non-polar, at codon 2576 of the ATM protein (p.Glu2576Ala). This variant is not present in population databases (gnomAD no frequency). This variant has not been reported in the literature in individuals affected with ATM-related conditions. ClinVar contains an entry for this variant (Variation ID: 3326395). Invitae Evidence Modeling of protein sequence and biophysical properties (such as structural, functional, and spatial information, amino acid conservation, physicochemical variation, residue mobility, and thermodynamic stability) indicates that this missense variant is not expected to disrupt ATM protein function with a negative predictive value of 95%. In summary, the available evidence is currently insufficient to determine the role of this variant in disease. Therefore, it has been classified as a Variant of Uncertain Significance.

Ambry Genetics
Classification: Uncertain significance for Hereditary cancer-predisposing syndrome. Last evaluated: 2024-05-24. Review status: criteria provided, single submitter. Criteria: Ambry Variant Classification Scheme 2023. Collection method: clinical testing. Allele origin: germline.
Comment: The p.E2576A variant (also known as c.7727A>C), located in coding exon 51 of the ATM gene, results from an A to C substitution at nucleotide position 7727. The glutamic acid at codon 2576 is replaced by alanine, an amino acid with dissimilar properties. This amino acid position is conserved. In addition, the in silico prediction for this alteration is inconclusive. Based on the available evidence, the clinical significance of this variant remains unclear.

NM_000051.4(ATM):c.7727A>C (p.Glu2576Ala)

Genes: ATM (ATM serine/threonine kinase; plus strand), C11orf65 (chromosome 11 open reading frame 65; minus strand). Cytogenetic location: 11q22.3.
Variant type: single nucleotide variant.
Coding change: c.7727A>C on transcript NM_000051.4 (MANE Select); coding-DNA position 7727, A replaced by C.
Protein change: p.Glu2576Ala; replaces glutamic acid 2576 with alanine.
Molecular consequence: missense variant. On other transcripts: intron variant (2).
Genome position (GRCh38, 1-based): chr11:108,331,976, A>C. VCF-style: chr11-108331976-A-C. GRCh37 (hg19) VCF-style: chr11-108202703-A-C.
Other names: c.7727A>C, p.Glu2576Ala (NM_001351834.2); c.641-22905T>G (NM_001330368.2); c.*38+3244T>G (NM_001351110.2); short protein forms E2576A.
Identifiers: ClinVar variation 3326395 (VCV003326395.1).
Genomic context (GRCh38, chr11:108,331,976, plus strand): 5'-CTTTGTTTATTATACTGGCCTTAGCAAATGCAAACAGAGATGAATTTCTGACTAAACCAG[A>C]GGTAGCCAGAAGAAGCAGAATAACTAAAAATGTGCCTAAACAAAGCTCTCAGCTTGATGA-3'
Protein context (NP_000042.3, residues 2566-2586): ANRDEFLTKP[Glu2576Ala]VARRSRITKN